The following is an entry in ClinVar:

ClinVar aggregate classification (germline): Uncertain significance. Review status: criteria provided, multiple submitters, no conflicts (2 of 4 stars). 4 submissions from 3 submitters: Uncertain significance (4). Last evaluated 2023-04-11.

Conditions:
Ectopia lentis et pupillae. Also called: ECTOPIA LENTIS WITH ECTOPIA OF PUPIL. Identifiers: Orphanet 1885, MedGen C1644196, MONDO:0009153, OMIM 225200.
Ectopia lentis 2, isolated, autosomal recessive (ECTOL2). Identifiers: Orphanet 1885, MedGen C3541474, MONDO:0009152, OMIM 225100.

Allele frequency attached by ClinVar (database versions not stated): TOPMed below 0.00001; gnomAD 0.00001; gnomAD exomes 0.00001.
gnomAD v4.1: 10 of 1,613,788 alleles (0.00062%); highest among the groups gnomAD compares: Non-Finnish European, 0.00085%; no homozygotes.

Submissions (4):

Genome-Nilou Lab
Classification: Uncertain significance for Ectopia lentis et pupillae. Last evaluated: 2023-04-11. Review status: criteria provided, single submitter. Criteria: ACMG Guidelines, 2015. Collection method: clinical testing. Allele origin: germline. Affected: no.

Genome-Nilou Lab
Classification: Uncertain significance for Ectopia lentis 2, isolated, autosomal recessive. Last evaluated: 2023-04-11. Review status: criteria provided, single submitter. Criteria: ACMG Guidelines, 2015. Collection method: clinical testing. Allele origin: germline. Affected: no.

Labcorp Genetics (formerly Invitae), Labcorp
Classification: Uncertain significance. Last evaluated: 2022-04-12. Review status: criteria provided, single submitter. Criteria: Invitae Variant Classification Sherloc (09022015). Collection method: clinical testing. Allele origin: germline.
Comment: This sequence change replaces proline, which is neutral and non-polar, with serine, which is neutral and polar, at codon 950 of the ADAMTSL4 protein (p.Pro950Ser). This variant is not present in population databases (gnomAD no frequency). This variant has not been reported in the literature in individuals affected with ADAMTSL4-related conditions. ClinVar contains an entry for this variant (Variation ID: 874508). Algorithms developed to predict the effect of missense changes on protein structure and function (SIFT, PolyPhen-2, Align-GVGD) all suggest that this variant is likely to be disruptive. In summary, the available evidence is currently insufficient to determine the role of this variant in disease. Therefore, it has been classified as a Variant of Uncertain Significance.

Illumina Laboratory Services, Illumina
Classification: Uncertain significance for Ectopia lentis 2, isolated, autosomal recessive. Last evaluated: 2018-05-17. Review status: criteria provided, single submitter. Criteria: ICSL Variant Classification Criteria 13 December 2019. Collection method: clinical testing. Allele origin: germline.

NM_019032.6(ADAMTSL4):c.2848C>T (p.Pro950Ser)

Gene: ADAMTSL4 (ADAMTS like 4; plus strand). Cytogenetic location: 1q21.2.
Variant type: single nucleotide variant.
Coding change: c.2848C>T on transcript NM_019032.6 (MANE Select); coding-DNA position 2848, C replaced by T.
Protein change: p.Pro950Ser; replaces proline 950 with serine.
Molecular consequence: missense variant.
Genome position (GRCh38, 1-based): chr1:150,559,371, C>T. VCF-style: chr1-150559371-C-T. GRCh37 (hg19) VCF-style: chr1-150531847-C-T.
Other names: c.2731C>T, p.Pro911Ser (NM_001288607.2); c.2917C>T, p.Pro973Ser (NM_001288608.2); c.2848C>T, p.Pro950Ser (NM_001378596.1); short protein forms P973S, P950S, P911S.
Identifiers: ClinVar variation 874508 (VCV000874508.7), dbSNP rs1237642624, ClinGen allele CA342317453.
Genomic context (GRCh38, chr1:150,559,371, plus strand): 5'-ACACAGCGTAGAGACATCATCTGTGTATCCAAACTGGGGACGGAGTTCAACGTGACTTCT[C>T]CGAGCAACTGTTCTCACCTCCCCAGGCCCCCTGCCCTGCAGCCCTGTCAAGGGCAGGCCT-3'
Protein context (NP_061905.2, residues 940-960): KLGTEFNVTS[Pro950Ser]SNCSHLPRPP